The following is an entry in ClinVar:

NM_006648.4(WNK2):c.2755A>G (p.Met919Val)

Gene: WNK2 (WNK lysine deficient protein kinase 2; plus strand). Cytogenetic location: 9q22.31.
Variant type: single nucleotide variant.
Coding change: c.2755A>G on transcript NM_006648.4 (MANE Select); coding-DNA position 2755, A replaced by G.
Protein change: p.Met919Val; replaces methionine 919 with valine.
Molecular consequence: missense variant.
Genome position (GRCh38, 1-based): chr9:93,259,303, A>G. VCF-style: chr9-93259303-A-G. GRCh37 (hg19) VCF-style: chr9-96021585-A-G.
Other names: c.2755A>G, p.Met919Val (NM_001282394.3); short protein forms M919V.
Identifiers: ClinVar variation 3816964 (VCV003816964.1).

ClinVar aggregate classification (germline): Uncertain significance (1 of 4 stars; one submission).

gnomAD v4.1: 1 of 1,613,462 alleles (0.000062%); highest among the groups gnomAD compares: Non-Finnish European, 0.000085%; no homozygotes.

Submission:

Ambry Genetics
Classification: Uncertain significance. Last evaluated: 2025-02-01. Review status: criteria provided, single submitter. Criteria: Ambry Variant Classification Scheme 2023. Collection method: clinical testing. Allele origin: germline.
Comment: The p.M919V variant (also known as c.2755A>G), located in coding exon 11 of the WNK2 gene, results from an A to G substitution at nucleotide position 2755. The methionine at codon 919 is replaced by valine, an amino acid with highly similar properties. This amino acid position is conserved. In addition, this alteration is predicted to be tolerated by in silico analysis. Based on the available evidence, the clinical significance of this variant remains unclear.